The following is an entry in ClinVar:

ClinVar aggregate classification (germline): Uncertain significance (1 of 4 stars; one submission).

Conditions:
POLD1-related polyposis and colorectal cancer syndrome (CRCS10). Also called: Colorectal cancer 10; COLORECTAL CANCER, SUSCEPTIBILITY TO, ON CHROMOSOME 19q; Colorectal cancer, susceptibility to, 10. Identifiers: Orphanet 220460, MedGen C2675481, MONDO:0012953, OMIM 612591.

Allele frequency attached by ClinVar (database versions not stated): gnomAD exomes below 0.00001; TOPMed below 0.00001.
gnomAD v4.1: 1 of 1,609,416 alleles (0.000062%); highest among the groups gnomAD compares: East Asian, 0.0022%; no homozygotes.

Submission:

Labcorp Genetics (formerly Invitae), Labcorp
Classification: Uncertain significance for POLD1-related polyposis and colorectal cancer syndrome. Last evaluated: 2025-05-05. Review status: criteria provided, single submitter. Criteria: Invitae Variant Classification Sherloc (09022015). Collection method: clinical testing. Allele origin: germline.
Comment: This sequence change replaces arginine, which is basic and polar, with lysine, which is basic and polar, at codon 906 of the POLD1 protein (p.Arg906Lys). This variant is not present in population databases (gnomAD no frequency). This variant has not been reported in the literature in individuals affected with POLD1-related conditions. ClinVar contains an entry for this variant (Variation ID: 1055514). An algorithm developed to predict the effect of missense changes on protein structure and function (PolyPhen-2) suggests that this variant is likely to be tolerated. RNA analysis performed to evaluate the impact of this missense change on mRNA splicing indicates it does not significantly alter splicing (internal data). In summary, the available evidence is currently insufficient to determine the role of this variant in disease. Therefore, it has been classified as a Variant of Uncertain Significance.

NM_002691.4(POLD1):c.2717G>A (p.Arg906Lys)

Gene: POLD1 (DNA polymerase delta 1, catalytic subunit; plus strand). Cytogenetic location: 19q13.33.
Variant type: single nucleotide variant.
Coding change: c.2717G>A on transcript NM_002691.4 (MANE Select); coding-DNA position 2717, G replaced by A.
Protein change: p.Arg906Lys; replaces arginine 906 with lysine.
Molecular consequence: missense variant. On other transcripts: non-coding transcript variant (1).
Genome position (GRCh38, 1-based): chr19:50,415,590, G>A. VCF-style: chr19-50415590-G-A. GRCh37 (hg19) VCF-style: chr19-50918847-G-A.
Other names: c.2717G>A, p.Arg906Lys (NM_001256849.1); c.2795G>A, p.Arg932Lys (NM_001308632.1); short protein forms R906K, R932K.
Identifiers: ClinVar variation 1055514 (VCV001055514.9), dbSNP rs2039251699, ClinGen allele CA406985746.